The following is an entry in ClinVar:

ClinVar aggregate classification (germline): Uncertain significance. Review status: reviewed by expert panel (3 of 4 stars). 6 submissions from 6 submitters: Uncertain significance (1). 5 of the submissions do not count toward it. Last evaluated 2026-02-24.

Conditions:
Hereditary cancer-predisposing syndrome. Also called: Neoplastic Syndromes, Hereditary; Hereditary Cancer Syndrome; Hereditary neoplastic syndrome; Tumor predisposition. Identifiers: Orphanet 140162, MedGen C0027672, MeSH D009386, MONDO:0015356.
DICER1-related tumor predisposition. Also called: DICER1-related pleuropulmonary blastoma cancer predisposition syndrome; DICER1 syndrome. Identifiers: Orphanet 284343, MedGen C3839822, MONDO:0100216.

Allele frequency attached by ClinVar (database versions not stated): gnomAD exomes below 0.00001.
gnomAD v4.1: 3 of 1,614,104 alleles (0.00019%); highest among the groups gnomAD compares: South Asian, 0.0011%; no homozygotes.

Submissions (6):

ClinGen DICER1 and miRNA-Processing Gene Variant Curation Expert Panel, ClinGen
Classification: Uncertain significance for DICER1-related tumor predisposition. Last evaluated: 2026-02-24. Review status: reviewed by expert panel. Criteria: ClinGen DICER1 ACMG Specifications DICER1 V1.4.0. Collection method: curation. Allele origin: germline. Inheritance: Autosomal dominant inheritance.
Comment: NM_177438.3(DICER1):c.4775C>T variant in DICER1 is a missense variant predicted to cause substitution of proline by leucine at amino acid 1592 (p.Pro1592Leu). Although this variant has been observed in individuals undergoing genetic sequencing, to our knowledge, this variant has not been reported in individuals with DICER1-related tumor predisposition (PS4 not met; PMID: 28012864, Internal lab contributors). The total allele frequency in gnomAD v4.1.0 is 0.000001859 (3/1614104 alleles) with a highest population minor allele frequency of 0.00001098 (1/91084 alleles) in the South Asian population and with multiple alleles present in the European non-Finnish population (PM2_Supporting, BS1, and BA1 are not met). In summary, this variant meets the criteria to be classified as Uncertain Significance for DICER1-related tumor predisposition based on the ACMG/AMP criteria applied, as specified by the ClinGen DICER1 VCEP: no codes applied. (Bayesian Points: 0; VCEP specifications version 1.4.0; 02/24/2026)

Labcorp Genetics (formerly Invitae), Labcorp
Classification: Uncertain significance for DICER1-related tumor predisposition. Last evaluated: 2025-12-05. Review status: criteria provided, single submitter. Criteria: Invitae Variant Classification Sherloc (09022015). Collection method: clinical testing. Allele origin: germline. Not counted in ClinVar's aggregate classification.
Comment: This sequence change replaces proline, which is neutral and non-polar, with leucine, which is neutral and non-polar, at codon 1592 of the DICER1 protein (p.Pro1592Leu). This variant is not present in population databases (gnomAD no frequency). This variant has not been reported in the literature in individuals affected with DICER1-related conditions. ClinVar contains an entry for this variant (Variation ID: 825165). Invitae Evidence Modeling of protein sequence and biophysical properties (such as structural, functional, and spatial information, amino acid conservation, physicochemical variation, residue mobility, and thermodynamic stability) has been performed for this missense variant. However, the output from this modeling did not meet the statistical confidence thresholds required to predict the impact of this variant on DICER1 protein function. In summary, the available evidence is currently insufficient to determine the role of this variant in disease. Therefore, it has been classified as a Variant of Uncertain Significance.

Ambry Genetics
Classification: Uncertain significance for Hereditary cancer-predisposing syndrome. Last evaluated: 2025-05-13. Review status: criteria provided, single submitter. Criteria: Ambry Variant Classification Scheme 2023. Collection method: clinical testing. Allele origin: germline. Not counted in ClinVar's aggregate classification.
Comment: The p.P1592L variant (also known as c.4775C>T), located in coding exon 22 of the DICER1 gene, results from a C to T substitution at nucleotide position 4775. The proline at codon 1592 is replaced by leucine, an amino acid with similar properties. This amino acid position is highly conserved in available vertebrate species. In addition, this alteration is predicted to be deleterious by in silico analysis. Based on the available evidence, the clinical significance of this variant remains unclear.

Center for Genomic Medicine, Rigshospitalet, Copenhagen University Hospital
Classification: Uncertain significance. Last evaluated: 2025-03-04. Review status: criteria provided, single submitter. Criteria: ACMG Guidelines, 2015. Collection method: clinical testing. Allele origin: germline. Not counted in ClinVar's aggregate classification.

Institute for Genomic Medicine (IGM) Clinical Laboratory, Nationwide Children's Hospital
Classification: Uncertain significance for DICER1-related tumor predisposition. Last evaluated: 2024-03-28. Review status: criteria provided, single submitter. Criteria: ACMG Guidelines, 2015. Collection method: clinical testing. Allele origin: germline. Not counted in ClinVar's aggregate classification.
Comment: This variant is absent from or present at an exceedingly low frequency in gnomAD, a large-scale control population database (ACMG/AMP: PM2).

Foulkes Cancer Genetics LDI, Lady Davis Institute for Medical Research
Classification: Uncertain significance. Last evaluated: 2019-07-01. Review status: criteria provided, single submitter. Criteria: ACMG Guidelines, 2015. Collection method: curation. Allele origin: somatic. Affected: yes. Observed: 1 variant allele. Not counted in ClinVar's aggregate classification.
Comment: ACMG criteria met: PM1, PM2, PP3, BP1

Literature cited by the submitters: PubMed 28012864 (cited by Foulkes Cancer Genetics LDI, Lady Davis Institute for Medical Research).

NM_177438.3(DICER1):c.4775C>T (p.Pro1592Leu)

Gene: DICER1 (dicer 1, ribonuclease III; minus strand). Cytogenetic location: 14q32.13.
Variant type: single nucleotide variant.
Coding change: c.4775C>T on transcript NM_177438.3 (MANE Select); coding-DNA position 4775, C replaced by T.
Protein change: p.Pro1592Leu; replaces proline 1592 with leucine.
Molecular consequence: missense variant.
Genome position (GRCh38, 1-based): chr14:95,096,145, G>A on the plus strand (C>T on the coding strand, the complement: DICER1 is on the minus strand). VCF-style: chr14-95096145-G-A. GRCh37 (hg19) VCF-style: chr14-95562482-G-A.
Other names: NM_177438.3(DICER1):c.4775C>T; p.Pro1592Leu; c.4775C>T, p.Pro1592Leu (NM_001195573.1, NM_001271282.3, NM_001291628.2 and 1 more transcripts); short protein forms P1592L.
Identifiers: ClinVar variation 825165 (VCV000825165.17), dbSNP rs1595339590, ClinGen allele CA390867215.
Genomic context (GRCh38, chr14:95,096,145, plus strand): 5'-CTGTTGAAATTCTCCCGAGTAGGGCACAGGGCCTTTTCCCGATCAGTCCTTTTAATTACC[G>A]GGAGCACCTTCAGCCCCAGTGAACAGAGGAAAAGCTGAGCAGCCCTCTCCCCACAGCTGG-3'
Protein context (NP_803187.1, residues 1582-1602): FLCSLGLKVL[Pro1592Leu]VIKRTDREKA